The following is an entry in ClinVar:

ClinVar aggregate classification (germline): Uncertain significance. Review status: criteria provided, multiple submitters, no conflicts (2 of 4 stars). 2 submissions from 2 submitters: Uncertain significance (2). Last evaluated 2026-01-20.

Conditions:
Hereditary cancer-predisposing syndrome. Also called: Hereditary Cancer Syndrome; Neoplastic Syndromes, Hereditary; Tumor predisposition; Hereditary neoplastic syndrome. Identifiers: Orphanet 140162, MedGen C0027672, MeSH D009386, MONDO:0015356.
Gorlin syndrome. Also called: Nevoid Basal Cell Carcinoma Syndrome; Basal cell nevus syndrome. Identifiers: Orphanet 377, MedGen C0004779, MONDO:0007187.

gnomAD v4.1: 1 of 1,613,992 alleles (0.000062%); highest among the groups gnomAD compares: African/African-American, 0.0013%; no homozygotes.

Submissions (2):

Ambry Genetics
Classification: Uncertain significance for Hereditary cancer-predisposing syndrome. Last evaluated: 2026-01-20. Review status: criteria provided, single submitter. Criteria: Ambry Variant Classification Scheme 2023. Collection method: clinical testing. Allele origin: germline.
Comment: The p.C1437R variant (also known as c.4309T>C), located in coding exon 23 of the PTCH1 gene, results from a T to C substitution at nucleotide position 4309. The cysteine at codon 1437 is replaced by arginine, an amino acid with highly dissimilar properties. This amino acid position is conserved. In addition, the in silico prediction for this alteration is inconclusive. Based on the available evidence, the clinical significance of this variant remains unclear.

Labcorp Genetics (formerly Invitae), Labcorp
Classification: Uncertain significance for Gorlin syndrome. Last evaluated: 2024-08-12. Review status: criteria provided, single submitter. Criteria: Invitae Variant Classification Sherloc (09022015). Collection method: clinical testing. Allele origin: germline.
Comment: This sequence change replaces cysteine, which is neutral and slightly polar, with arginine, which is basic and polar, at codon 1437 of the PTCH1 protein (p.Cys1437Arg). This variant is present in population databases (no rsID available, gnomAD 0.01%). This variant has not been reported in the literature in individuals affected with PTCH1-related conditions. Advanced modeling of protein sequence and biophysical properties (such as structural, functional, and spatial information, amino acid conservation, physicochemical variation, residue mobility, and thermodynamic stability) performed at Invitae indicates that this missense variant is not expected to disrupt PTCH1 protein function with a negative predictive value of 95%. In summary, the available evidence is currently insufficient to determine the role of this variant in disease. Therefore, it has been classified as a Variant of Uncertain Significance.

NM_000264.5(PTCH1):c.4309T>C (p.Cys1437Arg)

Gene: PTCH1 (patched 1; minus strand). Cytogenetic location: 9q22.32.
Variant type: single nucleotide variant.
Coding change: c.4309T>C on transcript NM_000264.5 (MANE Select); coding-DNA position 4309, T replaced by C.
Protein change: p.Cys1437Arg; replaces cysteine 1437 with arginine.
Molecular consequence: missense variant. On other transcripts: non-coding transcript variant (1).
Genome position (GRCh38, 1-based): chr9:95,446,947, A>G on the plus strand (T>C on the coding strand, the complement: PTCH1 is on the minus strand). VCF-style: chr9-95446947-A-G. GRCh37 (hg19) VCF-style: chr9-98209229-A-G.
Other names: c.3856T>C, p.Cys1286Arg (NM_001083606.3, NM_001083607.3, NM_001083604.3 and 1 more transcripts); c.4153T>C, p.Cys1385Arg (NM_001354918.2); c.4111T>C, p.Cys1371Arg (NM_001083602.3); c.4306T>C, p.Cys1436Arg (NM_001083603.3); short protein forms C1436R, C1437R, C1286R, C1371R, C1385R.
Identifiers: ClinVar variation 3635826 (VCV003635826.3).